The following is an entry in ClinVar:

NM_001114753.3(ENG):c.920dup (p.Asn307fs)

Gene: ENG (endoglin; minus strand). Cytogenetic location: 9q34.11.
Variant type: Duplication.
Coding change: c.920dup on transcript NM_001114753.3 (MANE Select); coding-DNA position 920, one base duplicated (A; older notation c.920dupA).
Protein change: p.Asn307fs; shifts the reading frame from asparagine 307.
Molecular consequence: frameshift variant.
Genome position (GRCh38, 1-based): chr9:127,824,871, T duplicated on the plus strand (A on the coding strand, the reverse complement: ENG is on the minus strand); the first of 2 consecutive T bases (chr9:127,824,871-127,824,872); duplicating either gives the same sequence. VCF-style (leftmost placement, unchanged base first): chr9-127824870-A-AT. GRCh37 (hg19) VCF-style: chr9-130587149-A-AT.
Other names: c.920dupA (NM_000118.3); c.919dup, p.Asn307Lysfs (NM_000118.4, NM_001406715.1); c.374dup, p.Asn125fs (NM_001278138.2); short protein forms N307fs, N125fs.
Identifiers: ClinVar variation 545104 (VCV000545104.8), dbSNP rs1554810174, ClinGen allele CA658797292.
Genomic context (GRCh38, chr9:127,824,870, plus strand): 5'-GGCATGAAGTGAGACAATGCTGGCCAGCGGTAGCTCCACGAAGGATGCCACAATGCTGGC[A>AT]TTGAGCATCCGGGCCTCCCCCAGGAGGCCTTGAGGTGTGTCTGGGAGCTTGAAGCCACGA-3'

ClinVar aggregate classification (germline): Pathogenic. Review status: criteria provided, multiple submitters, no conflicts (2 of 4 stars). 2 submissions from 2 submitters: Pathogenic (2). Last evaluated 2022-10-08.

Conditions:
Hereditary hemorrhagic telangiectasia (HHT). Also called: Osler hemorrhagic telangiectasia syndrome; ORW DISEASE; Osler Weber Rendu syndrome; OSLER-RENDU-WEBER DISEASE. Identifiers: Orphanet 774, MedGen C0039445, MONDO:0019180. Disease mechanism: loss of function.
Cerebral arteriovenous malformation (BAVM). Also called: CEREBRAL ARTERIOVENOUS MALFORMATIONS; Arteriovenous malformations of the brain. Identifiers: Orphanet 46724, MedGen C0917804, MONDO:0007154, OMIM 108010, HP:0002408.

Submissions (2):

Labcorp Genetics (formerly Invitae), Labcorp
Classification: Pathogenic for Hereditary hemorrhagic telangiectasia. Last evaluated: 2022-10-08. Review status: criteria provided, single submitter. Criteria: Invitae Variant Classification Sherloc (09022015). Collection method: clinical testing. Allele origin: germline.
Comment: For these reasons, this variant has been classified as Pathogenic. ClinVar contains an entry for this variant (Variation ID: 545104). This premature translational stop signal has been observed in individual(s) with clinical features of ENG-related conditions (PMID: 30120215). This variant is not present in population databases (gnomAD no frequency). This sequence change creates a premature translational stop signal (p.Asn307Lysfs*27) in the ENG gene. It is expected to result in an absent or disrupted protein product. Loss-of-function variants in ENG are known to be pathogenic (PMID: 15879500).

Beijing Key Laboratory for Genetic Research of Skeletal Deformity, Peking Union Medical College Hospital
Classification: Pathogenic for Brain arteriovenous malformation. Last evaluated: 2018-02-14. Review status: criteria provided, single submitter. Criteria: ACMG Guidelines, 2015. Collection method: clinical testing. Allele origin: germline. Affected: yes. Study: DISCO.

Literature cited by the submitters: PubMed 30120215 (cited by Labcorp Genetics (formerly Invitae), Labcorp); PubMed 15879500 (cited by Labcorp Genetics (formerly Invitae), Labcorp).